The following is an entry in ClinVar:

NM_001875.5(CPS1):c.3397_3400dup (p.Leu1134fs)

Gene: CPS1 (carbamoyl-phosphate synthase 1; plus strand). Cytogenetic location: 2q34.
Variant type: Duplication.
Coding change: c.3397_3400dup on transcript NM_001875.5 (MANE Select); coding-DNA positions 3397 to 3400, 4 bases duplicated (GTTT; older notation c.3397_3400dupGTTT).
Protein change: p.Leu1134fs; shifts the reading frame from leucine 1134.
Molecular consequence: frameshift variant. On other transcripts: non-coding transcript variant (2).
Genome position (GRCh38, 1-based): chr2:210,648,533-210,648,536, GTTT duplicated; duplicating any 4 consecutive bases within chr2:210,648,532-210,648,536 gives the same sequence; the c. name uses the placement nearest the transcript's 3' end. VCF-style (leftmost placement, unchanged base first): chr2-210648531-A-ATGTT. GRCh37 (hg19) VCF-style: chr2-211513255-A-ATGTT.
Other names: c.3397_3400dup, p.Leu1134fs (NM_001122633.3, NM_001369257.1); c.3430_3433dup, p.Leu1145fs (NM_001369256.1); short protein forms L1134fs, L1145fs.
Identifiers: ClinVar variation 5015755 (VCV005015755.1).

ClinVar aggregate classification (germline): Pathogenic (1 of 4 stars; one submission).

Conditions:
Congenital hyperammonemia, type I. Also called: CPS I DEFICIENCY; Carbamoyl phosphate synthetase 1 deficiency; Hyperammonemia due to carbamoyl phosphate synthetase 1 deficiency; CPS 1 deficiency; Carbamyl phosphate synthetase (CPS) deficiency; Carbamoyl phosphate synthetase I deficiency disease. Identifiers: Orphanet 147, MedGen C4082171, MONDO:0009376, OMIM 237300.

Submission:

Myriad Genetics, Inc.
Classification: Pathogenic for Congenital hyperammonemia, type I. Last evaluated: 2026-04-01. Review status: criteria provided, single submitter. Criteria: Myriad Autosomal Dominant, Autosomal Recessive and X-Linked Classification Criteria (2023). Collection method: clinical testing. Allele origin: unknown.
Comment: NM_001875.4(CPS1):c.3397_3400dupGTTT(L1134Cfs*13) is expected to be pathogenic in the context of carbamoylphosphate synthetase I deficiency. This variant is predicted to lead to an abnormal or absent protein product due to the creation of a premature termination codon in CPS1, a gene where loss-of-function variants are known to be pathogenic. Please note: this variant was assessed in the context of healthy population screening.